The following is an entry in ClinVar:

ClinVar aggregate classification (germline): Uncertain significance (1 of 4 stars; one submission).

Submission:

Labcorp Genetics (formerly Invitae), Labcorp
Classification: Uncertain significance. Last evaluated: 2023-04-15. Review status: criteria provided, single submitter. Criteria: Invitae Variant Classification Sherloc (09022015). Collection method: clinical testing. Allele origin: germline.
Comment: In summary, the available evidence is currently insufficient to determine the role of this variant in disease. Therefore, it has been classified as a Variant of Uncertain Significance. Experimental studies and prediction algorithms are not available or were not evaluated, and the functional significance of this variant is currently unknown. This variant has not been reported in the literature in individuals affected with NEUROD1-related conditions. This variant is not present in population databases (gnomAD no frequency). This sequence change creates a premature translational stop signal (p.Cys326*) in the NEUROD1 gene. While this is not anticipated to result in nonsense mediated decay, it is expected to disrupt the last 31 amino acid(s) of the NEUROD1 protein.

NM_002500.5(NEUROD1):c.978C>A (p.Cys326Ter)

Gene: NEUROD1 (neuronal differentiation 1; minus strand). Cytogenetic location: 2q31.3.
Variant type: single nucleotide variant.
Coding change: c.978C>A on transcript NM_002500.5 (MANE Select); coding-DNA position 978, C replaced by A.
Protein change: p.Cys326Ter; replaces cysteine 326 with a stop codon.
Molecular consequence: nonsense.
Genome position (GRCh38, 1-based): chr2:181,677,883, G>T on the plus strand (C>A on the coding strand, the complement: NEUROD1 is on the minus strand). VCF-style: chr2-181677883-G-T. GRCh37 (hg19) VCF-style: chr2-182542610-G-T.
Other names: short protein forms C326*.
Identifiers: ClinVar variation 2856273 (VCV002856273.3), dbSNP rs184871420, ClinGen allele CA349782340.